The following is an entry in ClinVar:

NM_000528.4(MAN2B1):c.1230+9G>C

Gene: MAN2B1 (mannosidase alpha class 2B member 1; minus strand). Cytogenetic location: 19p13.13.
Variant type: single nucleotide variant.
Coding change: c.1230+9G>C on transcript NM_000528.4 (MANE Select); 9 bases into the intron after coding-DNA position 1230, G replaced by C.
Molecular consequence: intron variant.
Genome position (GRCh38, 1-based): chr19:12,658,215, C>G on the plus strand (G>C on the coding strand, the complement: MAN2B1 is on the minus strand). VCF-style: chr19-12658215-C-G. GRCh37 (hg19) VCF-style: chr19-12769029-C-G.
Other names: c.1227+9G>C (NM_001173498.2).
Identifiers: ClinVar variation 723853 (VCV000723853.20), dbSNP rs367590716, ClinGen allele CA9226541.

ClinVar aggregate classification (germline): Conflicting classifications of pathogenicity. Review status: criteria provided, conflicting classifications (1 of 4 stars). 4 submissions from 4 submitters: Uncertain significance (1); Benign (1); Likely benign (1). 1 of the submissions does not count toward it. Last evaluated 2026-02-11.

Conditions:
Deficiency of alpha-mannosidase (MANSA). Also called: Mannosidosis, alpha-, types I and II; LYSOSOMAL ALPHA-D-MANNOSIDASE DEFICIENCY; Alpha-Mannosidosis. Identifiers: Orphanet 61, MedGen C0024748, MONDO:0009561, OMIM 248500.
MAN2B1-related disorder. Also called: MAN2B1-related condition.

Allele frequency attached by ClinVar (database versions not stated): gnomAD exomes 0.00004 and 0.00017; ExAC 0.00026; 1000 Genomes Project 0.00040; 1000 Genomes Project 30x 0.00062; gnomAD 0.00072 and 0.00078; TOPMed 0.00086; ESP Exome Variant Server 0.00092.
gnomAD v4.1: 168 of 1,613,960 alleles (0.01%); highest among the groups gnomAD compares: African/African-American, 0.21%; 1 homozygote.

Submissions (4):

PreventionGenetics, part of Exact Sciences
Classification: Likely benign for MAN2B1-related condition. Last evaluated: 2026-02-11. Review status: criteria provided, single submitter. Criteria: ACMG Guidelines, 2015. Collection method: clinical testing. Allele origin: germline.
Comment: This variant is classified as likely benign based on ACMG/AMP sequence variant interpretation guidelines (Richards et al. 2015 PMID: 25741868, with internal and published modifications).

Labcorp Genetics (formerly Invitae), Labcorp
Classification: Benign for Deficiency of alpha-mannosidase. Last evaluated: 2026-02-01. Review status: criteria provided, single submitter. Criteria: Invitae Variant Classification Sherloc (09022015). Collection method: clinical testing. Allele origin: germline.

Illumina Laboratory Services, Illumina
Classification: Uncertain significance for Deficiency of alpha-mannosidase. Last evaluated: 2018-01-13. Review status: criteria provided, single submitter. Criteria: ICSL Variant Classification Criteria 13 December 2019. Collection method: clinical testing. Allele origin: germline.

Natera, Inc.
Classification: Likely benign for Alpha-mannosidosis. Last evaluated: 2020-02-16. Review status: no assertion criteria provided. Collection method: clinical testing. Allele origin: germline. Not counted in ClinVar's aggregate classification.